The following is an entry in ClinVar:

NM_001256789.3(CACNA1F):c.43A>G (p.Ser15Gly)

Gene: CACNA1F (calcium voltage-gated channel subunit alpha1 F; minus strand). Cytogenetic location: Xp11.23.
Variant type: single nucleotide variant.
Coding change: c.43A>G on transcript NM_001256789.3 (MANE Select); coding-DNA position 43, A replaced by G.
Protein change: p.Ser15Gly; replaces serine 15 with glycine.
Molecular consequence: missense variant. On other transcripts: intron variant (1).
Genome position (GRCh38, 1-based): chrX:49,231,910, T>C on the plus strand (A>G on the coding strand, the complement: CACNA1F is on the minus strand). VCF-style: chrX-49231910-T-C. GRCh37 (hg19) VCF-style: chrX-49088372-T-C.
Other names: c.43A>G, p.Ser15Gly (NM_005183.4); c.66-218A>G (NM_001256790.3); short protein forms S15G.
Identifiers: ClinVar variation 2718681 (VCV002718681.3), dbSNP rs2519143782, ClinGen allele CA412928724.
Genomic context (GRCh38, chrX:49,231,910, plus strand): 5'-CAGCTGGGGGCCCGGGGCACAGCCCCCATTCGGGACCAGGGCCTGCCCCATTGGCTGGAC[T>C]GGGCTCTGGGGTGGTGTCTATATGGAGAAACTGTGTCAGGGAGGGACAGGGTATTGGGGC-3'
Protein context (NP_001243718.1, residues 5-25): EGGKDTTPEP[Ser15Gly]PANGAGPGPE

ClinVar aggregate classification (germline): Uncertain significance (1 of 4 stars; one submission).

gnomAD v4.1: 1 of 1,177,849 alleles (0.000085%); no homozygotes.

Submission:

Labcorp Genetics (formerly Invitae), Labcorp
Classification: Uncertain significance. Last evaluated: 2023-05-01. Review status: criteria provided, single submitter. Criteria: Invitae Variant Classification Sherloc (09022015). Collection method: clinical testing. Allele origin: germline.
Comment: This variant has not been reported in the literature in individuals affected with CACNA1F-related conditions. In summary, the available evidence is currently insufficient to determine the role of this variant in disease. Therefore, it has been classified as a Variant of Uncertain Significance. An algorithm developed to predict the effect of missense changes on protein structure and function (PolyPhen-2) suggests that this variant is likely to be tolerated. This variant is not present in population databases (gnomAD no frequency). This sequence change replaces serine, which is neutral and polar, with glycine, which is neutral and non-polar, at codon 15 of the CACNA1F protein (p.Ser15Gly).